The following is an entry in ClinVar:

NM_000070.3(CAPN3):c.830C>T (p.Ser277Phe)

Gene: CAPN3 (calpain 3; plus strand). Cytogenetic location: 15q15.1.
Variant type: single nucleotide variant.
Coding change: c.830C>T on transcript NM_000070.3 (MANE Select); coding-DNA position 830, C replaced by T.
Protein change: p.Ser277Phe; replaces serine 277 with phenylalanine.
Molecular consequence: missense variant. On other transcripts: intron variant (1).
Genome position (GRCh38, 1-based): chr15:42,389,981, C>T. VCF-style: chr15-42389981-C-T. GRCh37 (hg19) VCF-style: chr15-42682179-C-T.
Other names: c.830C>T, p.Ser277Phe (NM_024344.2); c.569C>T, p.Ser190Phe (NM_212464.2); c.*523C>T (NM_212467.2); c.801+885C>T (NM_173087.2); short protein forms S277F, S190F.
Identifiers: ClinVar variation 2053880 (VCV002053880.2), dbSNP rs147337720, ClinGen allele CA7511142.

ClinVar aggregate classification (germline): Uncertain significance. Review status: criteria provided, multiple submitters, no conflicts (2 of 4 stars). 2 submissions from 2 submitters: Uncertain significance (2). Last evaluated 2022-07-19.

Conditions:
Inborn genetic diseases. Identifiers: MedGen C0950123, MeSH D030342.
Autosomal recessive limb-girdle muscular dystrophy type 2A (LGMDR1). Also called: Muscular dystrophy, limb-girdle, type 2A, Amish; Limb-girdle muscular dystrophy, type 2A; Calpainopathy; LEYDEN-MOEBIUS MUSCULAR DYSTROPHY; MUSCULAR DYSTROPHY, PELVOFEMORAL. Identifiers: Orphanet 267, MedGen C1869123, MONDO:0009675, OMIM 253600. Disease mechanism: loss of function.

Allele frequency attached by ClinVar (database versions not stated): ExAC 0.00001; gnomAD exomes 0.00001; TOPMed 0.00001; gnomAD 0.00002; 1000 Genomes Project 30x 0.00016; 1000 Genomes Project 0.00020.

Submissions (2):

Ambry Genetics
Classification: Uncertain significance for Inborn genetic diseases. Last evaluated: 2022-07-19. Review status: criteria provided, single submitter. Criteria: Ambry Variant Classification Scheme 2023. Collection method: clinical testing. Allele origin: germline.

Labcorp Genetics (formerly Invitae), Labcorp
Classification: Uncertain significance for Autosomal recessive limb-girdle muscular dystrophy type 2A. Last evaluated: 2022-05-24. Review status: criteria provided, single submitter. Criteria: Invitae Variant Classification Sherloc (09022015). Collection method: clinical testing. Allele origin: germline.
Comment: This sequence change replaces serine, which is neutral and polar, with phenylalanine, which is neutral and non-polar, at codon 277 of the CAPN3 protein (p.Ser277Phe). This variant is present in population databases (rs147337720, gnomAD 0.0009%). This variant has not been reported in the literature in individuals affected with CAPN3-related conditions. Algorithms developed to predict the effect of missense changes on protein structure and function are either unavailable or do not agree on the potential impact of this missense change (SIFT: "Deleterious"; PolyPhen-2: "Benign"; Align-GVGD: "Class C0"). In summary, the available evidence is currently insufficient to determine the role of this variant in disease. Therefore, it has been classified as a Variant of Uncertain Significance.